The following is an entry in ClinVar:

ClinVar aggregate classification (germline): Uncertain significance (1 of 4 stars; one submission).

Allele frequency attached by ClinVar (database versions not stated): gnomAD 0.00001; TOPMed 0.00002.
gnomAD v4.1: 16 of 1,613,124 alleles (0.00099%); highest among the groups gnomAD compares: Admixed American, 0.015%; no homozygotes.

Submission:

Labcorp Genetics (formerly Invitae), Labcorp
Classification: Uncertain significance. Last evaluated: 2026-01-05. Review status: criteria provided, single submitter. Criteria: Invitae Variant Classification Sherloc (09022015). Collection method: clinical testing. Allele origin: germline.
Comment: This sequence change replaces valine, which is neutral and non-polar, with methionine, which is neutral and non-polar, at codon 628 of the PLEKHM2 protein (p.Val628Met). This variant is present in population databases (rs199779846, gnomAD 0.02%). This variant has not been reported in the literature in individuals affected with PLEKHM2-related conditions. ClinVar contains an entry for this variant (Variation ID: 1506361). An algorithm developed to predict the effect of missense changes on protein structure and function (PolyPhen-2) suggests that this variant is likely to be disruptive. In summary, the available evidence is currently insufficient to determine the role of this variant in disease. Therefore, it has been classified as a Variant of Uncertain Significance.

NM_015164.4(PLEKHM2):c.1882G>A (p.Val628Met)

Gene: PLEKHM2 (pleckstrin homology and RUN domain containing M2; plus strand). Cytogenetic location: 1p36.21.
Variant type: single nucleotide variant.
Coding change: c.1882G>A on transcript NM_015164.4 (MANE Select); coding-DNA position 1882, G replaced by A.
Protein change: p.Val628Met; replaces valine 628 with methionine.
Molecular consequence: missense variant.
Genome position (GRCh38, 1-based): chr1:15,728,318, G>A. VCF-style: chr1-15728318-G-A. GRCh37 (hg19) VCF-style: chr1-16054813-G-A.
Other names: short protein forms V628M.
Identifiers: ClinVar variation 1506361 (VCV001506361.8), dbSNP rs199779846, ClinGen allele CA617053.